The following is an entry in ClinVar:

NM_001540.5(HSPB1):c.508C>A (p.Pro170Thr)

Gene: HSPB1 (heat shock protein family B (small) member 1; plus strand). Cytogenetic location: 7q11.23.
Variant type: single nucleotide variant.
Coding change: c.508C>A on transcript NM_001540.5 (MANE Select); coding-DNA position 508, C replaced by A.
Protein change: p.Pro170Thr; replaces proline 170 with threonine.
Molecular consequence: missense variant.
Genome position (GRCh38, 1-based): chr7:76,304,063, C>A. VCF-style: chr7-76304063-C-A. GRCh37 (hg19) VCF-style: chr7-75933380-C-A.
Other names: c.508C>A (NM_001540.3); short protein forms P170T.
Identifiers: ClinVar variation 1061924 (VCV001061924.11), dbSNP rs544435502, ClinGen allele CA367766080.
Genomic context (GRCh38, chr7:76,304,063, plus strand): 5'-CCCACCCAAGTTTCCTCCTCCCTGTCCCCTGAGGGCACACTGACCGTGGAGGCCCCCATG[C>A]CCAAGCTAGCCACGCAGTCCAACGAGATCACCATCCCAGTCACCTTCGAGTCGCGGGCCC-3'
Protein context (NP_001531.1, residues 160-180): EGTLTVEAPM[Pro170Thr]KLATQSNEIT

ClinVar aggregate classification (germline): Uncertain significance. Review status: criteria provided, multiple submitters, no conflicts (2 of 4 stars). 2 submissions from 2 submitters: Uncertain significance (2). Last evaluated 2026-05-26.

Conditions:
Charcot-Marie-Tooth disease axonal type 2F (CMT2F). Also called: CHARCOT-MARIE-TOOTH DISEASE, NEURONAL, TYPE 2F; Charcot-Marie-Tooth Neuropathy Type 2F. Identifiers: Orphanet 99940, MedGen C1847823, MONDO:0011687, OMIM 606595.

Allele frequency attached by ClinVar (database versions not stated): gnomAD 0.00001; gnomAD exomes 0.00001.

Submissions (2):

GeneDx
Classification: Uncertain significance. Last evaluated: 2026-05-26. Review status: criteria provided, single submitter. Criteria: GeneDx Variant Classification Process June 2021. Collection method: clinical testing. Allele origin: germline.
Comment: Reported previously as a paternally inherited variant of uncertain significance in a patient with hand an foot weakness, diminished reflexes, and abnormal NCS and EMG; the father was reported as asymptomatic but had sensory axonal neuropathy on NCS (PMID: 32334137); Not observed at significant frequency in large population cohorts (gnomAD); In silico analysis supports that this missense variant has a deleterious effect on protein structure/function; This variant is associated with the following publications: (PMID: 32334137)

Labcorp Genetics (formerly Invitae), Labcorp
Classification: Uncertain significance for Charcot-Marie-Tooth disease axonal type 2F. Last evaluated: 2020-05-10. Review status: criteria provided, single submitter. Criteria: Invitae Variant Classification Sherloc (09022015). Collection method: clinical testing. Allele origin: germline.
Comment: In summary, the available evidence is currently insufficient to determine the role of this variant in disease. Therefore, it has been classified as a Variant of Uncertain Significance. Algorithms developed to predict the effect of missense changes on protein structure and function are either unavailable or do not agree on the potential impact of this missense change (SIFT: "Tolerated"; PolyPhen-2: "Possibly Damaging"; Align-GVGD: "Class C0"). This variant has not been reported in the literature in individuals with HSPB1-related conditions. This variant is not present in population databases (ExAC no frequency). This sequence change replaces proline with threonine at codon 170 of the HSPB1 protein (p.Pro170Thr). The proline residue is highly conserved and there is a small physicochemical difference between proline and threonine.